The following is an entry in ClinVar:

NM_001330078.2(NRXN1):c.515C>T (p.Ala172Val)

Gene: NRXN1 (neurexin 1; minus strand). Cytogenetic location: 2p16.3.
Variant type: single nucleotide variant.
Coding change: c.515C>T on transcript NM_001330078.2 (MANE Select); coding-DNA position 515, C replaced by T.
Protein change: p.Ala172Val; replaces alanine 172 with valine.
Molecular consequence: missense variant.
Genome position (GRCh38, 1-based): chr2:51,027,759, G>A on the plus strand (C>T on the coding strand, the complement: NRXN1 is on the minus strand). VCF-style: chr2-51027759-G-A. GRCh37 (hg19) VCF-style: chr2-51254897-G-A.
Other names: c.515C>T, p.Ala172Val (NM_001135659.3, NM_001330077.2, NM_001330079.2 and 15 more transcripts); short protein forms A172V.
Identifiers: ClinVar variation 539876 (VCV000539876.8), dbSNP rs199986986, ClinGen allele CA48054900.

ClinVar aggregate classification (germline): Uncertain significance (1 of 4 stars; one submission).

Conditions:
Pitt-Hopkins-like syndrome 2 (PTHSL2). Identifiers: Orphanet 221150, Orphanet 600663, MedGen C3280479, MONDO:0013690, OMIM 614325.

Allele frequency attached by ClinVar (database versions not stated): gnomAD 0.00001.
gnomAD v4.1: 1 of 1,612,236 alleles (0.000062%); highest among the groups gnomAD compares: Non-Finnish European, 0.000085%; no homozygotes.

Submission:

Labcorp Genetics (formerly Invitae), Labcorp
Classification: Uncertain significance for Pitt-Hopkins-like syndrome 2. Last evaluated: 2017-12-16. Review status: criteria provided, single submitter. Criteria: Invitae Variant Classification Sherloc (09022015). Collection method: clinical testing. Allele origin: germline.
Comment: In summary, the available evidence is currently insufficient to determine the role of this variant in disease. Therefore, it has been classified as a Variant of Uncertain Significance. Algorithms developed to predict the effect of missense changes on protein structure and function (SIFT, PolyPhen-2, Align-GVGD) all suggest that this variant is likely to be tolerated, but these predictions have not been confirmed by published functional studies and their clinical significance is uncertain. This variant has not been reported in the literature in individuals with NRXN1-related disease. This variant is not present in population databases (ExAC no frequency). This sequence change replaces alanine with valine at codon 172 of the NRXN1 protein (p.Ala172Val). The alanine residue is highly conserved and there is a small physicochemical difference between alanine and valine.